The following is an entry in ClinVar:

NM_000045.4(ARG1):c.187C>G (p.Pro63Ala)

Genes: ARG1 (arginase 1; plus strand), MED23 (mediator complex subunit 23; minus strand). Cytogenetic location: 6q23.2.
Variant type: single nucleotide variant.
Coding change: c.187C>G on transcript NM_000045.4 (MANE Select); coding-DNA position 187, C replaced by G.
Protein change: p.Pro63Ala; replaces proline 63 with alanine.
Molecular consequence: missense variant. On other transcripts: non-coding transcript variant (1), intron variant (2).
Genome position (GRCh38, 1-based): chr6:131,579,167, C>G. VCF-style: chr6-131579167-C-G. GRCh37 (hg19) VCF-style: chr6-131900307-C-G.
Other names: c.211C>G, p.Pro71Ala (NM_001244438.2); c.187C>G, p.Pro63Ala (NM_001369020.1); c.4078-4872G>C (NM_001270521.2); c.4096-4872G>C (NM_015979.4); short protein forms P63A, P71A.
Identifiers: ClinVar variation 1427553 (VCV001427553.4), dbSNP rs756825623, ClinGen allele CA3999194.
Genomic context (GRCh38, chr6:131,579,167, plus strand): 5'-TTAGAGTGTGATGTGAAGGATTATGGGGACCTGCCCTTTGCTGACATCCCTAATGACAGT[C>G]CCTTTCAAATTGTGAAGAATCCAAGGTCTGTGGGAAAAGCAAGCGAGCAGCTGGCTGGCA-3'
Protein context (NP_000036.2, residues 53-73): LPFADIPNDS[Pro63Ala]FQIVKNPRSV

ClinVar aggregate classification (germline): Uncertain significance (1 of 4 stars; one submission).

Conditions:
Arginase deficiency. Also called: ARGININEMIA; ARG1 DEFICIENCY; Arginase 1 Deficiency. Identifiers: Orphanet 90, MedGen C0268548, MONDO:0008814, OMIM 207800.

Allele frequency attached by ClinVar (database versions not stated): TOPMed 0.00001; ExAC 0.00001; gnomAD 0.00001.
gnomAD v4.1: 4 of 1,614,018 alleles (0.00025%); highest among the groups gnomAD compares: Admixed American, 0.005%; no homozygotes.

Submission:

Labcorp Genetics (formerly Invitae), Labcorp
Classification: Uncertain significance for Arginase deficiency. Last evaluated: 2022-06-29. Review status: criteria provided, single submitter. Criteria: Invitae Variant Classification Sherloc (09022015). Collection method: clinical testing. Allele origin: germline.
Comment: This sequence change replaces proline, which is neutral and non-polar, with alanine, which is neutral and non-polar, at codon 63 of the ARG1 protein (p.Pro63Ala). This variant is present in population databases (rs756825623, gnomAD 0.006%). This variant has not been reported in the literature in individuals affected with ARG1-related conditions. Algorithms developed to predict the effect of missense changes on protein structure and function (SIFT, PolyPhen-2, Align-GVGD) all suggest that this variant is likely to be tolerated. In summary, the available evidence is currently insufficient to determine the role of this variant in disease. Therefore, it has been classified as a Variant of Uncertain Significance.